The following is an entry in ClinVar:

ClinVar aggregate classification (germline): Pathogenic/Likely pathogenic. Review status: criteria provided, multiple submitters, no conflicts (2 of 4 stars). 6 submissions from 6 submitters: Pathogenic (2); Likely pathogenic (4). Last evaluated 2026-01-26.

Conditions:
Retinitis pigmentosa 39 (RP39). Identifiers: Orphanet 791, MedGen C3151138, MONDO:0013436, OMIM 613809.
Usher syndrome type 2A. Also called: RETINAL DISEASE IN USHER SYNDROME TYPE IIA, MODIFIER OF; USHER SYNDROME, TYPE IIA. Identifiers: Orphanet 231178, Orphanet 886, MedGen C1848634, MONDO:0010169, OMIM 276901.

Submissions (6):

Medical and Scientific Branch, Hong Kong Genome Institute
Classification: Pathogenic for Usher syndrome type 2A. Last evaluated: 2026-01-26. Review status: criteria provided, single submitter. Criteria: ACMG Guidelines, 2015. Collection method: clinical testing. Allele origin: unknown. Affected: yes.

Natera, Inc.
Classification: Likely pathogenic for Usher syndrome type 2A. Last evaluated: 2025-12-19. Review status: criteria provided, single submitter. Criteria: Natera Variant Classification Schema (03/2026). Collection method: clinical testing. Allele origin: germline.
Comment: The c.5530C>T variant in USH2A is a nonsense variant predicted to introduce a stop codon at amino acid 1844. This variant is expected to result in nonsense mediated decay, truncation, or a dysfunctional protein product. This variant is rare in the general population with a frequency below the threshold expected for the associated phenotype(s). Given the available evidence, this variant is classified as Likely Pathogenic.

Labcorp Genetics (formerly Invitae), Labcorp
Classification: Pathogenic. Last evaluated: 2025-02-26. Review status: criteria provided, single submitter. Criteria: Invitae Variant Classification Sherloc (09022015). Collection method: clinical testing. Allele origin: germline.
Comment: This sequence change creates a premature translational stop signal (p.Gln1844*) in the USH2A gene. It is expected to result in an absent or disrupted protein product. Loss-of-function variants in USH2A are known to be pathogenic (PMID: 10729113, 10909849, 20507924, 25649381). This variant is not present in population databases (gnomAD no frequency). This variant has not been reported in the literature in individuals affected with USH2A-related conditions. ClinVar contains an entry for this variant (Variation ID: 1065688). For these reasons, this variant has been classified as Pathogenic.

Baylor Genetics
Classification: Likely pathogenic for Retinitis pigmentosa 39. Last evaluated: 2024-03-18. Review status: criteria provided, single submitter. Criteria: ACMG Guidelines, 2015. Collection method: clinical testing. Allele origin: unknown.

Genome-Nilou Lab
Classification: Likely pathogenic for Retinitis pigmentosa 39. Last evaluated: 2023-11-04. Review status: criteria provided, single submitter. Criteria: ACMG Guidelines, 2015. Collection method: clinical testing. Allele origin: germline. Affected: no.

Ocular Genomics Institute, Massachusetts Eye and Ear
Classification: Likely pathogenic for Retinitis pigmentosa 39. Last evaluated: 2021-04-08. Review status: criteria provided, single submitter. Criteria: ACMG Guidelines, 2015. Collection method: research. Allele origin: germline. Affected: yes.
Comment: Through a review of available evidence we were able to apply the following criteria: PVS1, PM2. Based on this evidence we have classified this variant as Likely Pathogenic.

Literature cited by the submitters: PubMed 10729113 (cited by Labcorp Genetics (formerly Invitae), Labcorp); PubMed 10909849 (cited by Labcorp Genetics (formerly Invitae), Labcorp); PubMed 20507924 (cited by Labcorp Genetics (formerly Invitae), Labcorp); PubMed 25649381 (cited by Labcorp Genetics (formerly Invitae), Labcorp).

NM_206933.4(USH2A):c.5530C>T (p.Gln1844Ter)

Genes: USH2A-AS2 (USH2A antisense RNA 2; plus strand), USH2A (usherin; minus strand). Cytogenetic location: 1q41.
Variant type: single nucleotide variant.
Coding change: c.5530C>T on transcript NM_206933.4 (MANE Select); coding-DNA position 5530, C replaced by T.
Protein change: p.Gln1844Ter; replaces glutamine 1844 with a stop codon.
Molecular consequence: nonsense.
Genome position (GRCh38, 1-based): chr1:216,078,131, G>A on the plus strand (C>T on the coding strand, the complement: USH2A is on the minus strand). VCF-style: chr1-216078131-G-A. GRCh37 (hg19) VCF-style: chr1-216251473-G-A.
Other names: short protein forms Q1844*.
Identifiers: ClinVar variation 1065688 (VCV001065688.10), dbSNP rs761075303, ClinGen allele CA344855767.